The following is an entry in ClinVar:

NM_024876.4(COQ8B):c.103-1G>T

Gene: COQ8B (coenzyme Q8B; minus strand). Cytogenetic location: 19q13.2.
Variant type: single nucleotide variant.
Coding change: c.103-1G>T on transcript NM_024876.4 (MANE Select); the canonical splice acceptor site of the intron before coding-DNA position 103, G replaced by T.
Molecular consequence: splice acceptor variant.
Genome position (GRCh38, 1-based): chr19:40,714,398, C>A on the plus strand (G>T on the coding strand, the complement: COQ8B is on the minus strand). VCF-style: chr19-40714398-C-A. GRCh37 (hg19) VCF-style: chr19-41220303-C-A.
Other names: c.103-1G>T (NM_001142555.3).
Identifiers: ClinVar variation 3683924 (VCV003683924.2).
Genomic context (GRCh38, chr19:40,714,398, plus strand): 5'-CAGGCCTCTCCCAGGCCCATCCTGGTAAAACTTTTGGGCCCAAGAACCTCCACATGGTCC[C>A]TGCAAGAGATATACTTTGATAAGGAGGGGAGGACATGGGATCACCTGGCCCTTCTGGACC-3'

ClinVar aggregate classification (germline): Pathogenic (1 of 4 stars; one submission).

gnomAD v4.1: 1 of 1,613,654 alleles (0.000062%); no homozygotes.

Submission:

Labcorp Genetics (formerly Invitae), Labcorp
Classification: Pathogenic. Last evaluated: 2024-02-02. Review status: criteria provided, single submitter. Criteria: Invitae Variant Classification Sherloc (09022015). Collection method: clinical testing. Allele origin: germline.
Comment: This sequence change affects an acceptor splice site in intron 2 of the COQ8B gene. It is expected to disrupt RNA splicing. Variants that disrupt the donor or acceptor splice site typically lead to a loss of protein function (PMID: 16199547), and loss-of-function variants in COQ8B are known to be pathogenic (PMID: 24270420). This variant is not present in population databases (gnomAD no frequency). Disruption of this splice site has been observed in individual(s) with clinical features of COQ8B-related conditions (Invitae). In at least one individual the data is consistent with being in trans (on the opposite chromosome) from a pathogenic variant. Algorithms developed to predict the effect of sequence changes on RNA splicing suggest that this variant may disrupt the consensus splice site. For these reasons, this variant has been classified as Pathogenic.

Literature cited by the submitters: PubMed 16199547; PubMed 24270420.